The following is an entry in ClinVar:

ClinVar aggregate classification (germline): Pathogenic/Likely pathogenic. Review status: criteria provided, multiple submitters, no conflicts (2 of 4 stars). 3 submissions from 3 submitters: Pathogenic (1); Likely pathogenic (2). Last evaluated 2025-08-19.

Conditions:
Primary ciliary dyskinesia. Also called: Ciliary dyskinesia. Identifiers: Orphanet 244, MedGen C0008780, MONDO:0016575, HP:0012265.
Primary ciliary dyskinesia 9. Also called: CILIARY DYSKINESIA, PRIMARY, 9, WITH OR WITHOUT SITUS INVERSUS. Identifiers: Orphanet 244, MedGen C2676235, MONDO:0012906, OMIM 612444.

Allele frequency attached by ClinVar (database versions not stated): ExAC 0.00001; gnomAD exomes 0.00001; TOPMed 0.00001.
gnomAD v4.1: 3 of 1,613,938 alleles (0.00019%); highest among the groups gnomAD compares: Admixed American, 0.0033%; no homozygotes.

Submissions (3):

Labcorp Genetics (formerly Invitae), Labcorp
Classification: Pathogenic for Primary ciliary dyskinesia. Last evaluated: 2025-08-19. Review status: criteria provided, single submitter. Criteria: Invitae Variant Classification Sherloc (09022015). Collection method: clinical testing. Allele origin: germline.
Comment: This sequence change creates a premature translational stop signal (p.Glu141*) in the DNAI2 gene. It is expected to result in an absent or disrupted protein product. Loss-of-function variants in DNAI2 are known to be pathogenic (PMID: 18950741, 23891469). This variant is present in population databases (rs772133192, gnomAD 0.006%). This variant has not been reported in the literature in individuals affected with DNAI2-related conditions. ClinVar contains an entry for this variant (Variation ID: 851971). Algorithms developed to predict the effect of sequence changes on RNA splicing suggest that this variant may disrupt the consensus splice site. For these reasons, this variant has been classified as Pathogenic.

Natera, Inc.
Classification: Likely pathogenic for Primary ciliary dyskinesia. Last evaluated: 2024-11-27. Review status: criteria provided, single submitter. Criteria: Natera Variant Classification Schema (03/2026). Collection method: clinical testing. Allele origin: germline.
Comment: The c.421G>T variant in DNAI2 is a nonsense variant predicted to introduce a stop codon at amino acid 141. This variant is expected to result in nonsense mediated decay, truncation, or a dysfunctional protein product. This variant is rare in the general population with a frequency below the threshold expected for the associated phenotype(s). Given the available evidence, this variant is classified as Likely Pathogenic.

Fulgent Genetics
Classification: Likely pathogenic for Primary ciliary dyskinesia 9. Last evaluated: 2024-06-05. Review status: criteria provided, single submitter. Criteria: ACMG Guidelines, 2015. Collection method: clinical testing. Allele origin: germline.

Literature cited by the submitters: PubMed 18950741 (cited by Labcorp Genetics (formerly Invitae), Labcorp); PubMed 23891469 (cited by Labcorp Genetics (formerly Invitae), Labcorp).

NM_023036.6(DNAI2):c.421G>T (p.Glu141Ter)

Gene: DNAI2 (dynein axonemal intermediate chain 2; plus strand). Cytogenetic location: 17q25.1.
Variant type: single nucleotide variant.
Coding change: c.421G>T on transcript NM_023036.6 (MANE Select); coding-DNA position 421, G replaced by T.
Protein change: p.Glu141Ter; replaces glutamic acid 141 with a stop codon.
Molecular consequence: nonsense.
Genome position (GRCh38, 1-based): chr17:74,287,052, G>T. VCF-style: chr17-74287052-G-T. GRCh37 (hg19) VCF-style: chr17-72283191-G-T.
Other names: c.421G>T (NM_023036.5); c.421G>T, p.Glu141Ter (NM_001172810.3, NM_001353167.2); short protein forms E141*.
Identifiers: ClinVar variation 851971 (VCV000851971.10), dbSNP rs772133192, ClinGen allele CA8745354.